The following is an entry in ClinVar:

NM_001267550.2(TTN):c.62242G>T (p.Glu20748Ter)

Genes: TTN (titin; minus strand), TTN-AS1 (TTN antisense RNA 1; plus strand). Cytogenetic location: 2q31.2.
Variant type: single nucleotide variant.
Coding change: c.62242G>T on transcript NM_001267550.2 (MANE Select); coding-DNA position 62242, G replaced by T.
Protein change: p.Glu20748Ter; replaces glutamic acid 20748 with a stop codon.
Molecular consequence: nonsense.
Genome position (GRCh38, 1-based): chr2:178,589,483, C>A on the plus strand (G>T on the coding strand, the complement: TTN is on the minus strand). VCF-style: chr2-178589483-C-A. GRCh37 (hg19) VCF-style: chr2-179454210-C-A.
Other names: c.57319G>T, p.Glu19107Ter (NM_001256850.1); c.35047G>T, p.Glu11683Ter (NM_003319.4); c.54538G>T, p.Glu18180Ter (NM_133378.4); c.35422G>T, p.Glu11808Ter (NM_133432.3); c.35623G>T, p.Glu11875Ter (NM_133437.4); short protein forms E11683*, E20748*, E18180*, E19107*, E11808*, E11875*.
Identifiers: ClinVar variation 4785193 (VCV004785193.1).
Genomic context (GRCh38, chr2:178,589,483, plus strand): 5'-TTTGTAAGTCTTCTTTCACAACAACTTCCTCTGTCTTCACCCAGTCACTTTCCCCACCTT[C>A]ATTCTTTGTTTGCACTCTGAACTCATAAATCTGGTTTTCAACACATCTGTCAACCATGTA-3'

ClinVar aggregate classification (germline): Likely pathogenic (1 of 4 stars; one submission).

Conditions:
Autosomal recessive limb-girdle muscular dystrophy type 2J (LGMDR10). Also called: Limb-girdle muscular dystrophy, type 2J; MUSCULAR DYSTROPHY, LIMB-GIRDLE, AUTOSOMAL RECESSIVE 10. Identifiers: Orphanet 140922, MedGen C1837342, MONDO:0012127, OMIM 608807.
Dilated cardiomyopathy 1G (CMD1G). Identifiers: Orphanet 154, MedGen C1858763, MONDO:0011400, OMIM 604145.

Submission:

Labcorp Genetics (formerly Invitae), Labcorp
Classification: Likely pathogenic for Dilated cardiomyopathy 1G; Autosomal recessive limb-girdle muscular dystrophy type 2J. Last evaluated: 2025-06-06. Review status: criteria provided, single submitter. Criteria: Invitae Variant Classification Sherloc (09022015). Collection method: clinical testing. Allele origin: germline.
Comment: This sequence change creates a premature translational stop signal (p.Glu20748*) in the TTN gene. While this is not anticipated to result in nonsense mediated decay, it is expected to create a truncated TTN protein. This variant is not present in population databases (gnomAD no frequency). This variant has not been reported in the literature in individuals affected with TTN-related conditions. This variant is located in the A band of TTN (PMID: 25589632). Truncating variants in this region are significantly overrepresented in patients affected with dilated cardiomyopathy (PMID: 25589632). Truncating variants in this region have also been reported in individuals affected with autosomal recessive centronuclear myopathy (PMID: 23975875). In summary, the currently available evidence indicates that the variant is pathogenic, but additional data are needed to prove that conclusively. Therefore, this variant has been classified as Likely Pathogenic.

Literature cited by the submitters: PubMed 25589632; PubMed 23975875.